The following is an entry in ClinVar:

NM_006502.3(POLH):c.*1679C>T

Gene: POLH (DNA polymerase eta; plus strand). Cytogenetic location: 6p21.1.
Variant type: single nucleotide variant.
Coding change: c.*1679C>T on transcript NM_006502.3 (MANE Select); 1679 bases downstream of the stop codon, C replaced by T.
Molecular consequence: 3 prime UTR variant.
Genome position (GRCh38, 1-based): chr6:43,616,236, C>T. VCF-style: chr6-43616236-C-T. GRCh37 (hg19) VCF-style: chr6-43583973-C-T.
Other names: c.*1679C>T (NM_001291969.2); c.*2505C>T (NM_001291970.2).
Identifiers: ClinVar variation 910668 (VCV000910668.4), dbSNP rs113292021, ClinGen allele CA138307810.

ClinVar aggregate classification (germline): Benign (1 of 4 stars; one submission).

Conditions:
Xeroderma pigmentosum variant type. Also called: PHOTOSENSITIVITY WITH DEFECTIVE DNA SYNTHESIS; XERODERMA PIGMENTOSUM WITH NORMAL DNA REPAIR RATES; POLH-Related Xeroderma Pigmentosum. Identifiers: Orphanet 90342, MedGen C1848410, MONDO:0010214, OMIM 278750.

Allele frequency attached by ClinVar (database versions not stated): 1000 Genomes Project 0.01558; 1000 Genomes Project 30x 0.01733; gnomAD 0.02043 and 0.02067.
gnomAD v4.1: 3,070 of 148,900 alleles (2.1%); highest among the groups gnomAD compares: Non-Finnish European, 3.4%; 50 homozygotes.

Submission:

Illumina Laboratory Services, Illumina
Classification: Benign for Xeroderma pigmentosum variant type. Last evaluated: 2018-01-13. Review status: criteria provided, single submitter. Criteria: ICSL Variant Classification Criteria 13 December 2019. Collection method: clinical testing. Allele origin: germline.
Comment: This variant was observed in the ICSL laboratory as part of a predisposition screen in an ostensibly healthy population. It had not been previously curated by ICSL or reported in the Human Gene Mutation Database (HGMD: prior to June 1st, 2018), and was therefore a candidate for classification through an automated scoring system. Utilizing variant allele frequency, disease prevalence and penetrance estimates, and inheritance mode, an automated score was calculated to assess if this variant is too frequent to cause the disease. Based on the score and internal cut-off values, a variant classified as benign is not then subjected to further curation. The score for this variant resulted in a classification of benign for this disease.